The following is an entry in ClinVar:

NM_015330.6(SPECC1L):c.3205-6T>C

Genes: SPECC1L (sperm antigen with calponin homology and coiled-coil domains 1 like; plus strand), SPECC1L-ADORA2A (SPECC1L-ADORA2A readthrough (NMD candidate); plus strand). Cytogenetic location: 22q11.23.
Variant type: single nucleotide variant.
Coding change: c.3205-6T>C on transcript NM_015330.6 (MANE Select); 6 bases into the intron before coding-DNA position 3205, T replaced by C.
Molecular consequence: intron variant.
Genome position (GRCh38, 1-based): chr22:24,412,642, T>C. VCF-style: chr22-24412642-T-C. GRCh37 (hg19) VCF-style: chr22-24808610-T-C.
Other names: c.3205-6T>C (NM_001145468.4); c.3088-6T>C (NM_001254732.3); c.403-6T>C (NM_001254733.2).
Identifiers: ClinVar variation 2019612 (VCV002019612.4), dbSNP rs2517845315, ClinGen allele CA2580099265.

ClinVar aggregate classification (germline): Uncertain significance (1 of 4 stars; one submission).

Allele frequency attached by ClinVar (database versions not stated): gnomAD exomes below 0.00001.
gnomAD v4.1: 1 of 1,614,144 alleles (0.000062%); highest among the groups gnomAD compares: Non-Finnish European, 0.000085%; no homozygotes.

Submission:

Labcorp Genetics (formerly Invitae), Labcorp
Classification: Uncertain significance. Last evaluated: 2022-07-25. Review status: criteria provided, single submitter. Criteria: Invitae Variant Classification Sherloc (09022015). Collection method: clinical testing. Allele origin: germline.
Comment: Algorithms developed to predict the effect of sequence changes on RNA splicing suggest that this variant may disrupt the consensus splice site. This variant has not been reported in the literature in individuals affected with SPECC1L-related conditions. This variant is not present in population databases (gnomAD no frequency). This sequence change falls in intron 15 of the SPECC1L gene. It does not directly change the encoded amino acid sequence of the SPECC1L protein. In summary, the available evidence is currently insufficient to determine the role of this variant in disease. Therefore, it has been classified as a Variant of Uncertain Significance.